The following is an entry in ClinVar:

NM_004747.4(DLG5):c.1741G>A (p.Glu581Lys)

Gene: DLG5 (discs large MAGUK scaffold protein 5; minus strand). Cytogenetic location: 10q22.3.
Variant type: single nucleotide variant.
Coding change: c.1741G>A on transcript NM_004747.4 (MANE Select); coding-DNA position 1741, G replaced by A.
Protein change: p.Glu581Lys; replaces glutamic acid 581 with lysine.
Molecular consequence: missense variant.
Genome position (GRCh38, 1-based): chr10:77,833,921, C>T on the plus strand (G>A on the coding strand, the complement: DLG5 is on the minus strand). VCF-style: chr10-77833921-C-T. GRCh37 (hg19) VCF-style: chr10-79593679-C-T.
Other names: short protein forms E581K.
Identifiers: ClinVar variation 4869829 (VCV004869829.1).
Genomic context (GRCh38, chr10:77,833,921, plus strand): 5'-GCCCCAGGCTCCCAGATGCATGCCCACTCCAGCGGGTGCCCACCCGAGCCTACTTGAGCT[C>T]CTTCAGCTCGCGGCTGACATCATTCTTCTGCTTGCGGGTGTCATCCAGGCTGCGCAGGGC-3'
Protein context (NP_004738.3, residues 571-591): QKNDVSRELK[Glu581Lys]LKEQMESQLE

ClinVar aggregate classification (germline): Uncertain significance (1 of 4 stars; one submission).

gnomAD v4.1: 9 of 1,606,534 alleles (0.00056%); highest among the groups gnomAD compares: East Asian, 0.0022%; no homozygotes.

Submission:

Ambry Genetics
Classification: Uncertain significance. Last evaluated: 2026-04-11. Review status: criteria provided, single submitter. Criteria: Ambry Variant Classification Scheme 2023. Collection method: clinical testing. Allele origin: germline.
Comment: The c.1741G>A (p.E581K) alteration is located in exon 9 (coding exon 9) of the DLG5 gene. This alteration results from a G to A substitution at nucleotide position 1741, causing the glutamic acid (E) at amino acid position 581 to be replaced by a lysine (K). Based on data from gnomAD, the A allele has an overall frequency of <0.001% (1/244646) total alleles studied. The highest observed frequency was <0.001% (/) of alleles. Based on insufficient or conflicting evidence, the clinical significance of this alteration remains unclear.